The following is an entry in ClinVar:

NM_001267550.2(TTN):c.51711TCC[1] (p.Pro17239del)

Genes: TTN (titin; minus strand), TTN-AS1 (TTN antisense RNA 1; plus strand). Cytogenetic location: 2q31.2.
Variant type: Microsatellite.
Coding change: c.51711TCC[1] on transcript NM_001267550.2 (MANE Select); one copy of the 3-base unit TCC starting at c.51711; the reference has two copies in a row; one copy, 3 bases deleted.
Protein change: p.Pro17239del; deletes proline 17239.
Molecular consequence: inframe deletion.
Genome position (GRCh38, 1-based): chr2:178,609,707-178,609,709, GGA deleted on the plus strand (TCC on the coding strand, the reverse complement: TTN is on the minus strand); deleting any 3 consecutive bases within chr2:178,609,707-178,609,713 gives the same sequence; the position shown is the placement nearest the transcript's 3' end. VCF-style (leftmost placement, unchanged base first): chr2-178609706-TGGA-T. GRCh37 (hg19) VCF-style: chr2-179474433-TGGA-T.
Other names: c.46788TCC[1], p.Pro15598del (NM_001256850.1); c.24516TCC[1], p.Pro8174del (NM_003319.4); c.44007TCC[1], p.Pro14671del (NM_133378.4); c.24891TCC[1], p.Pro8299del (NM_133432.3); c.25092TCC[1], p.Pro8366del (NM_133437.4); c.24519_24521delTCC (NM_003319.4); short protein forms P17239del, P8174del, P8299del, P8366del, P14671del, P15598del.
Identifiers: ClinVar variation 448802 (VCV000448802.4), dbSNP rs776868393, ClinGen allele CA1994133.

ClinVar aggregate classification (germline): Conflicting classifications of pathogenicity. Review status: criteria provided, conflicting classifications (1 of 4 stars). 3 submissions from 3 submitters: Uncertain significance (2); Likely benign (1). Last evaluated 2024-03-23.

Conditions:
Cardiovascular phenotype. Identifiers: MedGen CN230736.

Submissions (3):

Blueprint Genetics
Classification: Likely benign. Last evaluated: 2024-03-23. Review status: criteria provided, single submitter. Criteria: ACMG Guidelines, 2015. Collection method: clinical testing. Allele origin: germline.

Ambry Genetics
Classification: Uncertain significance for Cardiovascular phenotype. Last evaluated: 2023-06-07. Review status: criteria provided, single submitter. Criteria: Ambry Variant Classification Scheme 2023. Collection method: clinical testing. Allele origin: germline.
Comment: The c.24519_24521delTCC variant (also known as p.P8174del) is located in coding exon 99 of the TTN gene. This variant results from an in-frame TCC deletion at nucleotide positions 24519 to 24521. This results in the in-frame deletion of a proline at codon 8174. This amino acid position is not well conserved in available vertebrate species. In addition, this alteration is predicted to be deleterious by in silico analysis (Choi Y et al. PLoS ONE. 2012; 7(10):e46688). Since supporting evidence is limited at this time, the clinical significance of this alteration remains unclear.

Athena Diagnostics
Classification: Uncertain significance. Last evaluated: 2017-05-23. Review status: criteria provided, single submitter. Criteria: Athena Diagnostics Criteria. Collection method: clinical testing. Allele origin: germline.